The following is an entry in ClinVar:

ClinVar aggregate classification (germline): Uncertain significance (1 of 4 stars; one submission).

Submission:

Labcorp Genetics (formerly Invitae), Labcorp
Classification: Uncertain significance. Last evaluated: 2022-11-18. Review status: criteria provided, single submitter. Criteria: Invitae Variant Classification Sherloc (09022015). Collection method: clinical testing. Allele origin: germline.
Comment: In summary, the available evidence is currently insufficient to determine the role of this variant in disease. Therefore, it has been classified as a Variant of Uncertain Significance. Algorithms developed to predict the effect of missense changes on protein structure and function (SIFT, PolyPhen-2, Align-GVGD) all suggest that this variant is likely to be disruptive. This variant has not been reported in the literature in individuals affected with CSF1R-related conditions. This variant is not present in population databases (gnomAD no frequency). This sequence change replaces leucine, which is neutral and non-polar, with proline, which is neutral and non-polar, at codon 671 of the CSF1R protein (p.Leu671Pro).

NM_001288705.3(CSF1R):c.2012T>C (p.Leu671Pro)

Gene: CSF1R (colony stimulating factor 1 receptor; minus strand). Cytogenetic location: 5q32.
Variant type: single nucleotide variant.
Coding change: c.2012T>C on transcript NM_001288705.3 (MANE Select); coding-DNA position 2012, T replaced by C.
Protein change: p.Leu671Pro; replaces leucine 671 with proline.
Molecular consequence: missense variant.
Genome position (GRCh38, 1-based): chr5:150,059,820, A>G on the plus strand (T>C on the coding strand, the complement: CSF1R is on the minus strand). VCF-style: chr5-150059820-A-G. GRCh37 (hg19) VCF-style: chr5-149439383-A-G.
Other names: c.2012T>C, p.Leu671Pro (NM_001349736.2, NM_001375320.1, NM_005211.4); c.1568T>C, p.Leu523Pro (NM_001375321.1); short protein forms L523P, L671P.
Identifiers: ClinVar variation 2815090 (VCV002815090.3), dbSNP rs2480967770, ClinGen allele CA361762191.